The following is an entry in ClinVar:

ClinVar aggregate classification (germline): Uncertain significance. Review status: criteria provided, multiple submitters, no conflicts (2 of 4 stars). 4 submissions from 4 submitters: Uncertain significance (4). Last evaluated 2025-10-15.

Conditions:
Inborn genetic diseases. Identifiers: MedGen C0950123, MeSH D030342.
Early-onset Parkinson disease 20. Also called: PARKINSON DISEASE 20, AUTOSOMAL RECESSIVE EARLY-ONSET. Identifiers: Orphanet 391411, MedGen C3809824, MONDO:0014233, OMIM 615530.
Developmental and epileptic encephalopathy, 53. Also called: Epileptic encephalopathy, early infantile, 53. Identifiers: MedGen C4479313, MONDO:0033362, OMIM 617389.

Allele frequency attached by ClinVar (database versions not stated): TOPMed 0.00002; gnomAD 0.00003; gnomAD exomes 0.00003 and 0.00005; ExAC 0.00004.
gnomAD v4.1: 47 of 1,613,534 alleles (0.0029%); highest among the groups gnomAD compares: Middle Eastern, 0.082%; no homozygotes.

Submissions (4):

Ambry Genetics
Classification: Uncertain significance for Inborn genetic diseases. Last evaluated: 2025-10-15. Review status: criteria provided, single submitter. Criteria: Ambry Variant Classification Scheme 2023. Collection method: clinical testing. Allele origin: germline.

Blueprint Genetics
Classification: Uncertain significance. Last evaluated: 2024-05-10. Review status: criteria provided, single submitter. Criteria: ACMG Guidelines, 2015. Collection method: clinical testing. Allele origin: germline.

Labcorp Genetics (formerly Invitae), Labcorp
Classification: Uncertain significance for Developmental and epileptic encephalopathy, 53; Early-onset Parkinson disease 20. Last evaluated: 2022-07-26. Review status: criteria provided, single submitter. Criteria: Invitae Variant Classification Sherloc (09022015). Collection method: clinical testing. Allele origin: germline.
Comment: This sequence change replaces proline, which is neutral and non-polar, with serine, which is neutral and polar, at codon 1238 of the SYNJ1 protein (p.Pro1238Ser). This variant is present in population databases (rs760863245, gnomAD 0.01%). This variant has not been reported in the literature in individuals affected with SYNJ1-related conditions. ClinVar contains an entry for this variant (Variation ID: 1307537). Algorithms developed to predict the effect of missense changes on protein structure and function are either unavailable or do not agree on the potential impact of this missense change (SIFT: "Deleterious"; PolyPhen-2: "Benign"; Align-GVGD: "Class C0"). In summary, the available evidence is currently insufficient to determine the role of this variant in disease. Therefore, it has been classified as a Variant of Uncertain Significance.

GeneDx
Classification: Uncertain significance. Last evaluated: 2019-08-02. Review status: criteria provided, single submitter. Criteria: GeneDx Variant Classification Process June 2021. Collection method: clinical testing. Allele origin: germline. Affected: yes.
Comment: Not observed at a significant frequency in large population cohorts (Lek et al., 2016); In silico analysis, which includes protein predictors and evolutionary conservation, supports a deleterious effect; Has not been previously published as pathogenic or benign to our knowledge

NM_203446.3(SYNJ1):c.3595C>T (p.Pro1199Ser)

Gene: SYNJ1 (synaptojanin 1; minus strand). Cytogenetic location: 21q22.11.
Variant type: single nucleotide variant.
Coding change: c.3595C>T on transcript NM_203446.3 (MANE Select); coding-DNA position 3595, C replaced by T.
Protein change: p.Pro1199Ser; replaces proline 1199 with serine.
Molecular consequence: missense variant.
Genome position (GRCh38, 1-based): chr21:32,639,773, G>A on the plus strand (C>T on the coding strand, the complement: SYNJ1 is on the minus strand). VCF-style: chr21-32639773-G-A. GRCh37 (hg19) VCF-style: chr21-34012083-G-A.
Other names: c.3547C>T, p.Pro1183Ser (NM_001160302.2); c.3454C>T, p.Pro1152Ser (NM_001160306.2); c.3712C>T, p.Pro1238Ser (NM_003895.4); short protein forms P1152S, P1183S, P1199S, P1238S.
Identifiers: ClinVar variation 1307537 (VCV001307537.8), dbSNP rs760863245, ClinGen allele CA10003312.